The following is an entry in ClinVar:

ClinVar aggregate classification (germline): Uncertain significance (1 of 4 stars; one submission).

gnomAD v4.1: 5 of 1,576,704 alleles (0.00032%); highest among the groups gnomAD compares: South Asian, 0.0058%; no homozygotes.

Submission:

GeneDx
Classification: Uncertain significance. Last evaluated: 2024-04-24. Review status: criteria provided, single submitter. Criteria: GeneDx Variant Classification Process June 2021. Collection method: clinical testing. Allele origin: germline. Affected: yes.
Comment: Not observed at significant frequency in large population cohorts (gnomAD); In silico analysis supports a deleterious effect on splicing; Has not been previously published as pathogenic or benign to our knowledge

NM_001277115.2(DNAH11):c.11968-3C>A

Gene: DNAH11 (dynein axonemal heavy chain 11; plus strand). Cytogenetic location: 7p15.3.
Variant type: single nucleotide variant.
Coding change: c.11968-3C>A on transcript NM_001277115.2 (MANE Select); 3 bases into the intron before coding-DNA position 11968, C replaced by A.
Molecular consequence: intron variant.
Genome position (GRCh38, 1-based): chr7:21,873,271, C>A. VCF-style: chr7-21873271-C-A. GRCh37 (hg19) VCF-style: chr7-21912889-C-A.
Identifiers: ClinVar variation 3372724 (VCV003372724.1).